The following is an entry in ClinVar:

NM_031885.5(BBS2):c.1811_1821del (p.His604fs)

Gene: BBS2 (Bardet-Biedl syndrome 2; minus strand). Cytogenetic location: 16q13.
Variant type: Deletion.
Coding change: c.1811_1821del on transcript NM_031885.5 (MANE Select); coding-DNA positions 1811 to 1821, 11 bases deleted (ATTCAGTGCAT).
Protein change: p.His604fs; shifts the reading frame from histidine 604.
Molecular consequence: frameshift variant. On other transcripts: non-coding transcript variant (5).
Genome position (GRCh38, 1-based): chr16:56,497,056-56,497,066, ATGCACTGAAT deleted on the plus strand (ATTCAGTGCAT on the coding strand, the reverse complement: BBS2 is on the minus strand). VCF-style (leftmost placement, unchanged base first): chr16-56497055-GATGCACTGAAT-G. GRCh37 (hg19) VCF-style: chr16-56530967-GATGCACTGAAT-G.
Other names: c.1811_1821del, p.His604fs (NM_001377456.1); short protein forms H604fs.
Identifiers: ClinVar variation 2857182 (VCV002857182.3), dbSNP rs2543695563, ClinGen allele CA2739266799.

ClinVar aggregate classification (germline): Pathogenic (1 of 4 stars; one submission).

Conditions:
Bardet-Biedl syndrome (BBS). Identifiers: Orphanet 110, MedGen C0752166, MONDO:0015229.

Submission:

Labcorp Genetics (formerly Invitae), Labcorp
Classification: Pathogenic for Bardet-Biedl syndrome. Last evaluated: 2023-04-18. Review status: criteria provided, single submitter. Criteria: Invitae Variant Classification Sherloc (09022015). Collection method: clinical testing. Allele origin: germline.
Comment: This variant is not present in population databases (gnomAD no frequency). This sequence change creates a premature translational stop signal (p.His604Profs*6) in the BBS2 gene. It is expected to result in an absent or disrupted protein product. Loss-of-function variants in BBS2 are known to be pathogenic (PMID: 11285252, 20177705, 24608809, 26518167). This variant has not been reported in the literature in individuals affected with BBS2-related conditions. For these reasons, this variant has been classified as Pathogenic.

Literature cited by the submitters: PubMed 11285252; PubMed 20177705; PubMed 24608809; PubMed 26518167.